The following is an entry in ClinVar:

ClinVar aggregate classification (germline): Conflicting classifications of pathogenicity. Review status: criteria provided, conflicting classifications (1 of 4 stars). 3 submissions from 3 submitters: Likely pathogenic (1); Uncertain significance (2). Last evaluated 2026-01-12.

Conditions:
Inborn genetic diseases. Identifiers: MedGen C0950123, MeSH D030342.
SKIN/HAIR/EYE PIGMENTATION 1, BLUE/NONBLUE EYES (SHEP1). Also called: BROWN EYE COLOR 2; EYE COLOR 3; EYE COLOR, BLUE/NONBLUE; EYE COLOR, BROWN/BLUE; HAIR COLOR 3; SKIN/HAIR/EYE PIGMENTATION 1, BLOND/BROWN HAIR. Identifiers: MedGen C1856895, OMIM 227220.
Developmental delay with autism spectrum disorder and gait instability (MRT38). Also called: Intellectual developmental disorder, autosomal recessive 38. Identifiers: Orphanet 329195, MedGen C3809753, MONDO:0014224, OMIM 615516.

gnomAD v4.1: 10 of 1,608,250 alleles (0.00062%); highest among the groups gnomAD compares: Middle Eastern, 0.016%; no homozygotes.

Submissions (3):

GeneDx
Classification: Uncertain significance. Last evaluated: 2026-01-12. Review status: criteria provided, single submitter. Criteria: GeneDx Variant Classification Process June 2021. Collection method: clinical testing. Allele origin: germline.
Comment: In silico analysis supports that this missense variant has a deleterious effect on protein structure/function; Has not been previously published as pathogenic or benign to our knowledge

Ambry Genetics
Classification: Uncertain significance for Inborn genetic diseases. Last evaluated: 2025-10-18. Review status: criteria provided, single submitter. Criteria: Ambry Variant Classification Scheme 2023. Collection method: clinical testing. Allele origin: germline.

Juno Genomics, Hangzhou Juno Genomics, Inc
Classification: Likely pathogenic for SKIN/HAIR/EYE PIGMENTATION 1, BLUE/NONBLUE EYES; Developmental delay with autism spectrum disorder and gait instability. Review status: criteria provided, single submitter. Criteria: ACMG Guidelines, 2015. Collection method: clinical testing. Allele origin: germline. Affected: yes.
Comment: Absent from controls (or at extremely low frequency if recessive) in Genome Aggregation Database, Exome Sequencing Project, 1000 Genomes Project, or Exome Aggregation Consortium.;Multiple lines of computational evidence support a deleterious effect on the gene or gene product (conservation, evolutionary, splicing impact, etc).;Missense variant in a gene that has a low rate of benign missense variation and where missense variants are a common mechanism of disease.

NM_004667.6(HERC2):c.12328G>A (p.Gly4110Arg)

Gene: HERC2 (HECT and RLD domain containing E3 ubiquitin protein ligase 2; minus strand). Cytogenetic location: 15q13.1.
Variant type: single nucleotide variant.
Coding change: c.12328G>A on transcript NM_004667.6 (MANE Select); coding-DNA position 12328, G replaced by A.
Protein change: p.Gly4110Arg; replaces glycine 4110 with arginine.
Molecular consequence: missense variant.
Genome position (GRCh38, 1-based): chr15:28,132,733, C>T on the plus strand (G>A on the coding strand, the complement: HERC2 is on the minus strand). VCF-style: chr15-28132733-C-T. GRCh37 (hg19) VCF-style: chr15-28377879-C-T.
Other names: c.12328G>A (NM_004667.5, NM_004667.4); short protein forms G4110R.
Identifiers: ClinVar variation 3382134 (VCV003382134.5).